The following is an entry in ClinVar:

ClinVar aggregate classification (germline): Uncertain significance (1 of 4 stars; one submission).

Submission:

Labcorp Genetics (formerly Invitae), Labcorp
Classification: Uncertain significance. Last evaluated: 2025-01-08. Review status: criteria provided, single submitter. Criteria: Invitae Variant Classification Sherloc (09022015). Collection method: clinical testing. Allele origin: germline.
Comment: This sequence change replaces proline, which is neutral and non-polar, with leucine, which is neutral and non-polar, at codon 57 of the SON protein (p.Pro57Leu). This variant is not present in population databases (gnomAD no frequency). This variant has not been reported in the literature in individuals affected with SON-related conditions. An algorithm developed to predict the effect of missense changes on protein structure and function (PolyPhen-2) suggests that this variant is likely to be disruptive. In summary, the available evidence is currently insufficient to determine the role of this variant in disease. Therefore, it has been classified as a Variant of Uncertain Significance.

NM_138927.4(SON):c.170C>T (p.Pro57Leu)

Gene: SON (SON DNA and RNA binding protein; plus strand). Cytogenetic location: 21q22.11.
Variant type: single nucleotide variant.
Coding change: c.170C>T on transcript NM_138927.4 (MANE Select); coding-DNA position 170, C replaced by T.
Protein change: p.Pro57Leu; replaces proline 57 with leucine.
Molecular consequence: missense variant. On other transcripts: non-coding transcript variant (1).
Genome position (GRCh38, 1-based): chr21:33,546,305, C>T. VCF-style: chr21-33546305-C-T. GRCh37 (hg19) VCF-style: chr21-34918611-C-T.
Other names: c.170C>T, p.Pro57Leu (NM_001291411.2, NM_001291412.3, NM_032195.3); short protein forms P57L.
Identifiers: ClinVar variation 3728693 (VCV003728693.2).